The following is an entry in ClinVar:

ClinVar aggregate classification (germline): Pathogenic (1 of 4 stars; one submission).

Conditions:
Autosomal recessive congenital ichthyosis 1 (LI1). Also called: COLLODION FETUS; DESQUAMATION OF NEWBORN; ICHTHYOSIS CONGENITA; ICHTHYOSIS CONGENITA II; LAMELLAR EXFOLIATION OF NEWBORN; ICHTHYOSIS, CONGENITAL, AUTOSOMAL RECESSIVE 1, WITH BATHING SUIT DISTRIBUTION. Identifiers: MedGen C4551630, MONDO:0009441, OMIM 242300.

Submission:

Myriad Genetics, Inc.
Classification: Pathogenic for Autosomal recessive congenital ichthyosis 1. Last evaluated: 2023-08-21. Review status: criteria provided, single submitter. Criteria: Myriad Autosomal Dominant, Autosomal Recessive and X-Linked Classification Criteria (2023). Collection method: clinical testing. Allele origin: unknown.
Comment: NM_000359.2(TGM1):c.1315del1ins9(N439Afs*8) is expected to be pathogenic in the context of TGM1-related autosomal recessive congenital ichthyosis. This variant is predicted to lead to an abnormal or absent protein product due to the creation of a premature termination codon in TGM1, a gene where loss-of-function variants are known to be pathogenic. Please note: this variant was assessed in the context of healthy population screening.

NM_000359.3(TGM1):c.1315delinsGCCCAGCTT (p.Asn439fs)

Gene: TGM1 (transglutaminase 1; minus strand). Cytogenetic location: 14q12.
Variant type: Indel.
Coding change: c.1315delinsGCCCAGCTT on transcript NM_000359.3 (MANE Select); coding-DNA position 1315, A replaced by GCCCAGCTT.
Protein change: p.Asn439fs; shifts the reading frame from asparagine 439.
Molecular consequence: frameshift variant.
Genome position (GRCh38, 1-based): chr14:24,258,372, T replaced by AAGCTGGGC on the plus strand (A replaced by GCCCAGCTT on the coding strand, the reverse complement: TGM1 is on the minus strand). VCF-style: chr14-24258372-T-AAGCTGGGC. GRCh37 (hg19) VCF-style: chr14-24727578-T-AAGCTGGGC.
Other names: short protein forms N439fs.
Identifiers: ClinVar variation 5011441 (VCV005011441.1).